The following is an entry in ClinVar:

ClinVar aggregate classification (germline): Uncertain significance (1 of 4 stars; one submission).

Submission:

Labcorp Genetics (formerly Invitae), Labcorp
Classification: Uncertain significance. Last evaluated: 2024-05-16. Review status: criteria provided, single submitter. Criteria: Invitae Variant Classification Sherloc (09022015). Collection method: clinical testing. Allele origin: germline.
Comment: This sequence change replaces aspartic acid, which is acidic and polar, with glutamic acid, which is acidic and polar, at codon 161 of the DNM1L protein (p.Asp161Glu). This variant is not present in population databases (gnomAD no frequency). This variant has not been reported in the literature in individuals affected with DNM1L-related conditions. An algorithm developed to predict the effect of missense changes on protein structure and function (PolyPhen-2) suggests that this variant is likely to be disruptive. In summary, the available evidence is currently insufficient to determine the role of this variant in disease. Therefore, it has been classified as a Variant of Uncertain Significance.

NM_012062.5(DNM1L):c.483T>A (p.Asp161Glu)

Gene: DNM1L (dynamin 1 like; plus strand). Cytogenetic location: 12p11.21.
Variant type: single nucleotide variant.
Coding change: c.483T>A on transcript NM_012062.5 (MANE Select); coding-DNA position 483, T replaced by A.
Protein change: p.Asp161Glu; replaces aspartic acid 161 with glutamic acid.
Molecular consequence: missense variant. On other transcripts: intron variant (1).
Genome position (GRCh38, 1-based): chr12:32,713,235, T>A. VCF-style: chr12-32713235-T-A. GRCh37 (hg19) VCF-style: chr12-32866169-T-A.
Other names: c.483T>A, p.Asp161Glu (NM_001278463.2, NM_005690.5, NM_012063.4); c.522T>A, p.Asp174Glu (NM_001278464.2, NM_001278465.2, NM_001330380.2); c.131+5822T>A (NM_001278466.2); short protein forms D161E, D174E.
Identifiers: ClinVar variation 3652779 (VCV003652779.2).